The following is an entry in ClinVar:

NM_032620.4(GTPBP3):c.167_178del (p.Pro56_Gly59del)

Gene: GTPBP3 (GTP binding protein 3, mitochondrial; plus strand). Cytogenetic location: 19p13.11.
Variant type: Deletion.
Coding change: c.167_178del on transcript NM_032620.4 (MANE Select); coding-DNA positions 167 to 178, 12 bases deleted (CCGCCAGCGGCC).
Protein change: p.Pro56_Gly59del.
Molecular consequence: inframe deletion.
Genome position (GRCh38, 1-based): chr19:17,338,121-17,338,132, CCGCCAGCGGCC deleted; deleting any 12 consecutive bases within chr19:17,338,112-17,338,132 gives the same sequence; the c. name uses the placement nearest the transcript's 3' end. VCF-style (leftmost placement, unchanged base first): chr19-17338111-ACCAGCGGCCCCG-A. GRCh37 (hg19) VCF-style: chr19-17448920-ACCAGCGGCCCCG-A.
Other names: c.167_178del, p.Pro56_Gly59del (NM_001128855.3, NM_133644.4); c.233_244del, p.Pro78_Gly81del (NM_001195422.1).
Identifiers: ClinVar variation 1402577 (VCV001402577.7), dbSNP rs758576361, ClinGen allele CA9293247.
Genomic context (GRCh38, chr19:17,338,111, plus strand): 5'-GGCGCCACCATCTTCGCGCTAAGCTCTGGCCAAGGCCGCTGCGGCATCGCAGTGATCCGG[ACCAGCGGCCCCG>A]CCAGCGGCCACGCCCTCCGAATTCTCACAGCACCCCGAGACCTGCCCCTTGCTCGCCACG-3'

ClinVar aggregate classification (germline): Uncertain significance. Review status: criteria provided, multiple submitters, no conflicts (2 of 4 stars). 3 submissions from 3 submitters: Uncertain significance (3). Last evaluated 2024-04-15.

Submissions (3):

Blueprint Genetics
Classification: Uncertain significance. Last evaluated: 2024-04-15. Review status: criteria provided, single submitter. Criteria: ACMG Guidelines, 2015. Collection method: clinical testing. Allele origin: germline.

GeneDx
Classification: Uncertain significance. Last evaluated: 2022-09-29. Review status: criteria provided, single submitter. Criteria: GeneDx Variant Classification Process June 2021. Collection method: clinical testing. Allele origin: germline. Affected: yes.
Comment: Not observed at a significant frequency in large population cohorts (gnomAD); In-frame deletion of 4 amino acids in a non-repeat region; In silico analysis, which includes protein predictors and evolutionary conservation, supports a deleterious effect; Has not been previously published as pathogenic or benign to our knowledge

Labcorp Genetics (formerly Invitae), Labcorp
Classification: Uncertain significance. Last evaluated: 2022-08-20. Review status: criteria provided, single submitter. Criteria: Invitae Variant Classification Sherloc (09022015). Collection method: clinical testing. Allele origin: germline.
Comment: This variant, c.167_178del, results in the deletion of 4 amino acid(s) of the GTPBP3 protein (p.Pro56_Gly59del), but otherwise preserves the integrity of the reading frame. This variant is present in population databases (rs758576361, gnomAD 0.003%). This variant has not been reported in the literature in individuals affected with GTPBP3-related conditions. ClinVar contains an entry for this variant (Variation ID: 1402577). Experimental studies and prediction algorithms are not available or were not evaluated, and the functional significance of this variant is currently unknown. In summary, the available evidence is currently insufficient to determine the role of this variant in disease. Therefore, it has been classified as a Variant of Uncertain Significance.